The following is an entry in ClinVar:

NM_001347721.2(DYRK1A):c.638-1G>T

Gene: DYRK1A (dual specificity tyrosine phosphorylation regulated kinase 1A; plus strand). Cytogenetic location: 21q22.13.
Variant type: single nucleotide variant.
Coding change: c.638-1G>T on transcript NM_001347721.2 (MANE Select); the canonical splice acceptor site of the intron before coding-DNA position 638, G replaced by T.
Molecular consequence: splice acceptor variant.
Genome position (GRCh38, 1-based): chr21:37,490,174, G>T. VCF-style: chr21-37490174-G-T. GRCh37 (hg19) VCF-style: chr21-38862476-G-T.
Other names: c.665-1G>T (NM_001396.3, NM_001396.5, NM_101395.2 and 1 more transcripts); c.638-1G>T (NM_001347722.2, NM_130436.2); c.551-1G>T (NM_001347723.2).
Identifiers: ClinVar variation 1333385 (VCV001333385.6), dbSNP rs2148612254, ClinGen allele CA409947080.
Genomic context (GRCh38, chr21:37,490,174, plus strand): 5'-TGTTTGTTACTCTCAGTTTATTGGTATATATAATTTAAAATGAAACTGTTTTCTCTTTCA[G>T]TGCATTTGAAACGCCACTTTATGTTTCGAAACCATCTCTGTTTAGTTTTTGAAATGCTGT-3'

ClinVar aggregate classification (germline): Pathogenic/Likely pathogenic. Review status: criteria provided, multiple submitters, no conflicts (2 of 4 stars). 3 submissions from 3 submitters: Pathogenic (2); Likely pathogenic (1). Last evaluated 2025-06-20.

Conditions:
Inborn genetic diseases. Identifiers: MedGen C0950123, MeSH D030342.
DYRK1A-related intellectual disability syndrome (MRD7). Also called: DYRK1A Syndrome; Intellectual developmental disorder, autosomal dominant 7. Identifiers: Orphanet 464306, MedGen C5568143, MONDO:0013578, OMIM 614104.

Submissions (3):

Institute of Human Genetics, University of Leipzig Medical Center
Classification: Pathogenic for DYRK1A-related intellectual disability syndrome. Last evaluated: 2025-06-20. Review status: criteria provided, single submitter. Criteria: ACMG Guidelines, 2015. Collection method: clinical testing. Allele origin: de novo. Inheritance: Autosomal dominant inheritance. Affected: yes.
Comment: Criteria applied: PVS1_MOD,PS2,PS4_MOD,PM2

Ambry Genetics
Classification: Pathogenic for Inborn genetic diseases. Last evaluated: 2022-06-01. Review status: criteria provided, single submitter. Criteria: Ambry Variant Classification Scheme 2023. Collection method: clinical testing. Allele origin: germline.
Comment: The c.665-1G>T intronic variant results from a G to T substitution one nucleotide after coding exon 5 of the DYRK1A gene. Alterations that disrupt the canonical splice site are expected to result in aberrant splicing. The resulting transcript is predicted to be in-frame and is not expected to trigger nonsense-mediated mRNA decay; however, direct evidence is unavailable. The exact functional effect of the altered amino acid sequence is unknown; however, the impacted region is critical for protein function (Ambry internal data). This variant was not reported in population-based cohorts in the Genome Aggregation Database (gnomAD). This variant occurred de novo in two individuals with developmental delay, microcephaly, seizures, and dysmorphic features, as well as several unique features in each individual (Murray, 2017; Evers, 2017). In addition, this variant was identified to occur de novo in one individual with developmental delay and with unknown inheritance in one individual with multiple congenital anomalies (Turner, 2019; Retterer, 2016). Based on the available evidence, this alteration is classified as pathogenic.

3billion
Classification: Likely pathogenic for DYRK1A-related intellectual disability syndrome. Last evaluated: 2022-01-03. Review status: criteria provided, single submitter. Criteria: ACMG Guidelines, 2015. Collection method: clinical testing. Allele origin: germline. Affected: yes. Observed: 1 heterozygote.
Comment: Canonical splice site: predicted to alter splicing and result in a loss or disruption of normal protein function through protein truncation. Multiple pathogenic variants are reported in the predicted truncated region (PVS1_VS).It is not observed in the gnomAD v2.1.1 dataset (PM2_M). Therefore, this variant is classified as likely pathogenic according to the recommendation of ACMG/AMP guideline.

Literature cited by the submitters: PubMed 26633542 (cited by Ambry Genetics); PubMed 28053047 (cited by Ambry Genetics); PubMed 28496994 (cited by Ambry Genetics); PubMed 31785789 (cited by Ambry Genetics).